The following is an entry in ClinVar:

ClinVar aggregate classification (germline): Pathogenic (1 of 4 stars; one submission).

Conditions:
Intellectual disability. Also called: Intellectual functioning disability; Intellectual developmental disorder; intellectual disabilities. Identifiers: MedGen C3714756, MeSH D008607, MONDO:0001071, HP:0001249.

Submission:

Labcorp Genetics (formerly Invitae), Labcorp
Classification: Pathogenic for Intellectual disability. Last evaluated: 2021-08-06. Review status: criteria provided, single submitter. Criteria: Invitae Variant Classification Sherloc (09022015). Collection method: clinical testing. Allele origin: germline.
Comment: This sequence change replaces asparagine with lysine at codon 327 of the GABRB2 protein (p.Asn327Lys). The asparagine residue is highly conserved and there is a moderate physicochemical difference between asparagine and lysine. This variant is not present in population databases (ExAC no frequency). This variant has been observed in individual(s) with clinical features of GABRB2-related conditions (Invitae). In at least one individual the variant was observed to be de novo. Advanced modeling of protein sequence and biophysical properties (such as structural, functional, and spatial information, amino acid conservation, physicochemical variation, residue mobility, and thermodynamic stability) performed at Invitae indicates that this missense variant is expected to disrupt GABRB2 protein function. Algorithms developed to predict the effect of sequence changes on RNA splicing suggest that this variant may create or strengthen a splice site. For these reasons, this variant has been classified as Pathogenic.

NM_001371727.1(GABRB2):c.981C>G (p.Asn327Lys)

Gene: GABRB2 (gamma-aminobutyric acid type A receptor subunit beta2; minus strand). Cytogenetic location: 5q34.
Variant type: single nucleotide variant.
Coding change: c.981C>G on transcript NM_001371727.1 (MANE Select); coding-DNA position 981, C replaced by G.
Protein change: p.Asn327Lys; replaces asparagine 327 with lysine.
Molecular consequence: missense variant.
Genome position (GRCh38, 1-based): chr5:161,330,979, G>C on the plus strand (C>G on the coding strand, the complement: GABRB2 is on the minus strand). VCF-style: chr5-161330979-G-C. GRCh37 (hg19) VCF-style: chr5-160757986-G-C.
Other names: c.981C>G, p.Asn327Lys (NM_000813.3, NM_021911.3); short protein forms N327K.
Identifiers: ClinVar variation 1392511 (VCV001392511.8), dbSNP rs2113397640, ClinGen allele CA362175195.